The following is an entry in ClinVar:

NM_013382.7(POMT2):c.242A>C (p.His81Pro)

Gene: POMT2 (protein O-mannosyltransferase 2; minus strand). Cytogenetic location: 14q24.3.
Variant type: single nucleotide variant.
Coding change: c.242A>C on transcript NM_013382.7 (MANE Select); coding-DNA position 242, A replaced by C.
Protein change: p.His81Pro; replaces histidine 81 with proline.
Molecular consequence: missense variant.
Genome position (GRCh38, 1-based): chr14:77,320,440, T>G on the plus strand (A>C on the coding strand, the complement: POMT2 is on the minus strand). VCF-style: chr14-77320440-T-G. GRCh37 (hg19) VCF-style: chr14-77786783-T-G.
Other names: short protein forms H81P.
Identifiers: ClinVar variation 1054398 (VCV001054398.7), dbSNP rs746662519, ClinGen allele CA390504257.

ClinVar aggregate classification (germline): Uncertain significance (1 of 4 stars; one submission).

Conditions:
Muscular dystrophy-dystroglycanopathy (congenital with brain and eye anomalies), type A2. Also called: MUSCULAR DYSTROPHY-DYSTROGLYCANOPATHY (CONGENITAL WITH BRAIN AND EYE ANOMALIES), TYPE A, 2; WALKER-WARBURG SYNDROME OR MUSCLE-EYE-BRAIN DISEASE, POMT2-RELATED. Identifiers: Orphanet 588, Orphanet 899, MedGen C3150411, MONDO:0013154, OMIM 613150.
Muscular dystrophy-dystroglycanopathy (congenital with impaired intellectual development), type B, 2. Also called: MUSCULAR DYSTROPHY, CONGENITAL, POMT2-RELATED; Muscular dystrophy-dystroglycanopathy (congenital with intellectual disability), type B2. Identifiers: MedGen C3150416, MONDO:0013160, OMIM 613156.
Autosomal recessive limb-girdle muscular dystrophy type 2N. Also called: Muscular dystrophy-dystroglycanopathy (limb-girdle), type C, 2; MUSCULAR DYSTROPHY-DYSTROGLYCANOPATHY, LIMB-GIRDLE, POMT2-RELATED. Identifiers: Orphanet 206559, MedGen C3150418, MONDO:0013162, OMIM 613158.

gnomAD v4.1: 2 of 1,546,450 alleles (0.00013%); highest among the groups gnomAD compares: Admixed American, 0.0039%; no homozygotes.

Submission:

Labcorp Genetics (formerly Invitae), Labcorp
Classification: Uncertain significance for Muscular dystrophy-dystroglycanopathy (congenital with impaired intellectual development), type B, 2; Muscular dystrophy-dystroglycanopathy (congenital with brain and eye anomalies), type A2; Autosomal recessive limb-girdle muscular dystrophy type 2N. Last evaluated: 2025-04-21. Review status: criteria provided, single submitter. Criteria: Invitae Variant Classification Sherloc (09022015). Collection method: clinical testing. Allele origin: germline.
Comment: This sequence change replaces histidine, which is basic and polar, with proline, which is neutral and non-polar, at codon 81 of the POMT2 protein (p.His81Pro). This variant is present in population databases (no rsID available, gnomAD 0.004%). This missense change has been observed in individual(s) with clinical features of POMT2-related conditions (internal data). ClinVar contains an entry for this variant (Variation ID: 1054398). Invitae Evidence Modeling of protein sequence and biophysical properties (such as structural, functional, and spatial information, amino acid conservation, physicochemical variation, residue mobility, and thermodynamic stability) has been performed for this missense variant. However, the output from this modeling did not meet the statistical confidence thresholds required to predict the impact of this variant on POMT2 protein function. In summary, the available evidence is currently insufficient to determine the role of this variant in disease. Therefore, it has been classified as a Variant of Uncertain Significance.